The following is an entry in ClinVar:

NM_001048174.2(MUTYH):c.378G>A (p.Gln126=)

Gene: MUTYH (mutY DNA glycosylase; minus strand). Cytogenetic location: 1p34.1.
Variant type: single nucleotide variant.
Coding change: c.378G>A on transcript NM_001048174.2 (MANE Select); coding-DNA position 378, G replaced by A.
Protein change: p.Gln126=; no amino-acid change (glutamine 126 retained).
Molecular consequence: synonymous variant. On other transcripts: non-coding transcript variant (1), intron variant (2).
Genome position (GRCh38, 1-based): chr1:45,333,097, C>T on the plus strand (G>A on the coding strand, the complement: MUTYH is on the minus strand). VCF-style: chr1-45333097-C-T. GRCh37 (hg19) VCF-style: chr1-45798769-C-T.
Other names: c.378G>A, p.Gln126= (NM_001048171.2, NM_001048173.2, NM_001293195.2); c.381G>A, p.Gln127= (NM_001048172.2); c.462G>A, p.Gln154= (NM_001128425.2); c.423G>A, p.Gln141= (NM_001293190.2); c.411G>A, p.Gln137= (NM_001293191.2); c.102G>A, p.Gln34= (NM_001293192.2, NM_001293196.2); c.453G>A, p.Gln151= (NM_012222.3); c.34-138G>A (NM_001350651.2, NM_001350650.2).
Identifiers: ClinVar variation 948638 (VCV000948638.12), dbSNP rs1645260006, ClinGen allele CA417880113.
Genomic context (GRCh38, chr1:45,333,097, plus strand): 5'-AAGTAGAGGCTCTCATCTGGGGTCTGACCCATGACCCTTCCCTTCCTCCCCTGGAGTCAC[C>T]TGCATCCATCCGGTATAGTAGTTGATCACAGTGGCAACCTGGGTCTGCTGCAGCATGACC-3'
Protein context (NP_001041639.1, residues 116-136): TVINYYTGWM[Gln126=]KWPTLQDLAS

ClinVar aggregate classification (germline): Conflicting classifications of pathogenicity. Review status: criteria provided, conflicting classifications (1 of 4 stars). 2 submissions from 2 submitters: Likely pathogenic (1); Uncertain significance (1). Last evaluated 2022-06-15.

Conditions:
Hereditary cancer-predisposing syndrome. Also called: Neoplastic Syndromes, Hereditary; Tumor predisposition; Hereditary Cancer Syndrome; Hereditary neoplastic syndrome. Identifiers: Orphanet 140162, MedGen C0027672, MeSH D009386, MONDO:0015356.
Familial adenomatous polyposis 2. Also called: Adenomas, multiple colorectal; MUTYH Polyposis; COLORECTAL ADENOMATOUS POLYPOSIS, AUTOSOMAL RECESSIVE; ADENOMAS, MULTIPLE COLORECTAL, AUTOSOMAL RECESSIVE; MUTYH-associated polyposis; MUTYH-related attenuated familial adenomatous polyposis. Identifiers: Orphanet 220460, Orphanet 247798, MedGen C3272841, MONDO:0012041, OMIM 608456.

Submissions (2):

Ambry Genetics
Classification: Likely pathogenic for Hereditary cancer-predisposing syndrome. Last evaluated: 2022-06-15. Review status: criteria provided, single submitter. Criteria: Ambry Variant Classification Scheme 2023. Collection method: clinical testing. Allele origin: germline.
Comment: The c.462G>A variant (also known as p.Q154Q), located in coding exon 5 of the MUTYH gene, results from a G to A substitution at nucleotide position 462. This nucleotide substitution does not change the glutamine at codon 154. However, this change occurs in the last base pair of coding exon 5, which makes it likely to have some effect on normal mRNA splicing. This variant has been confirmed homozygous in an individual diagnosed with attenuated familial adenomatous polyposis (Grandval P et al. J Med Genet, 2015 Jan;52:25-7). This nucleotide position is highly conserved in available vertebrate species. In silico splice site analysis predicts that this alteration will weaken the native splice donor site; however, direct evidence is insufficient at this time (Ambry internal data). Based on the majority of available evidence to date, this variant is likely to be pathogenic.

Labcorp Genetics (formerly Invitae), Labcorp
Classification: Uncertain significance for Familial adenomatous polyposis 2. Last evaluated: 2019-06-30. Review status: criteria provided, single submitter. Criteria: Invitae Variant Classification Sherloc (09022015). Collection method: clinical testing. Allele origin: germline.
Comment: Nucleotide substitutions within the consensus splice site are a relatively common cause of aberrant splicing (PMID: 17576681, 9536098). Algorithms developed to predict the effect of sequence changes on RNA splicing suggest that this variant may disrupt the consensus splice site, but this prediction has not been confirmed by published transcriptional studies. In summary, the available evidence is currently insufficient to determine the role of this variant in disease. Therefore, it has been classified as a Variant of Uncertain Significance. This variant has been observed in individuals with polyposis (PMID: 25368107). This variant is also known as c.420G>A in the literature. This variant is not present in population databases (ExAC no frequency). This sequence change affects codon 154 of the MUTYH mRNA. It is a 'silent' change, meaning that it does not change the encoded amino acid sequence of the MUTYH protein. This variant also falls at the last nucleotide of exon 5 of the MUTYH coding sequence, which is part of the consensus splice site for this exon.

Literature cited by the submitters: PubMed 25368107 (cited by Ambry Genetics and Labcorp Genetics (formerly Invitae), Labcorp); PubMed 17576681 (cited by Labcorp Genetics (formerly Invitae), Labcorp); PubMed 9536098 (cited by Labcorp Genetics (formerly Invitae), Labcorp).